The following is an entry in ClinVar:

ClinVar aggregate classification (germline): Uncertain significance (0 of 4 stars; one submission).

Conditions:
Prostate cancer. Also called: Malignant tumor of prostate. Identifiers: Orphanet 1331, MedGen C0376358, MONDO:0008315, HP:0012125.

Submission:

Science for Life laboratory,  Karolinska Institutet
Classification: Uncertain significance for Malignant tumor of prostate. Review status: no assertion criteria provided. Collection method: not provided. Allele origin: somatic.
Comment: TumorID:SWE-5
ClinVar note: Converted during submission from Unknown to Uncertain significance.

NM_001372.4(DNAH9):c.3184A>G (p.Ile1062Val)

Genes: DNAH9 (dynein axonemal heavy chain 9; plus strand), LOC126862505 (BRD4-independent group 4 enhancer GRCh37_chr17:11572478-11573677; plus strand). Cytogenetic location: 17p12.
Variant type: single nucleotide variant.
Coding change: c.3184A>G on transcript NM_001372.4 (MANE Select); coding-DNA position 3184, A replaced by G.
Protein change: p.Ile1062Val; replaces isoleucine 1062 with valine.
Molecular consequence: missense variant.
Genome position (GRCh38, 1-based): chr17:11,669,625, A>G. VCF-style: chr17-11669625-A-G. GRCh37 (hg19) VCF-style: chr17-11572942-A-G.
Other names: short protein forms I1062V.
Identifiers: ClinVar variation 161580 (VCV000161580.2), dbSNP rs193920997, ClinGen allele CA174388.